The following is an entry in ClinVar:

ClinVar aggregate classification (germline): Uncertain significance. Review status: criteria provided, multiple submitters, no conflicts (2 of 4 stars). 2 submissions from 2 submitters: Uncertain significance (2). Last evaluated 2026-02-21.

Conditions:
Gastrointestinal stromal tumor. Also called: Gastrointestinal stromal tumor, somatic; Gastrointestinal stroma tumor. Identifiers: Orphanet 44890, MedGen C0238198, MeSH D046152, MONDO:0011719, OMIM 606764, HP:0100723.
Hereditary cancer-predisposing syndrome. Also called: Hereditary neoplastic syndrome; Neoplastic Syndromes, Hereditary; Hereditary Cancer Syndrome; Tumor predisposition. Identifiers: Orphanet 140162, MedGen C0027672, MeSH D009386, MONDO:0015356.

Submissions (2):

Ambry Genetics
Classification: Uncertain significance for Hereditary cancer-predisposing syndrome. Last evaluated: 2026-02-21. Review status: criteria provided, single submitter. Criteria: Ambry Variant Classification Scheme 2023. Collection method: clinical testing. Allele origin: germline.
Comment: The p.V732F variant (also known as c.2194G>T), located in coding exon 15 of the KIT gene, results from a G to T substitution at nucleotide position 2194. The valine at codon 732 is replaced by phenylalanine, an amino acid with highly similar properties. This amino acid position is conserved. In addition, the in silico prediction for this alteration is inconclusive. Based on the available evidence, the clinical significance of this variant remains unclear.

Labcorp Genetics (formerly Invitae), Labcorp
Classification: Uncertain significance for Gastrointestinal stromal tumor. Last evaluated: 2023-08-27. Review status: criteria provided, single submitter. Criteria: Invitae Variant Classification Sherloc (09022015). Collection method: clinical testing. Allele origin: germline.
Comment: This variant is not present in population databases (gnomAD no frequency). This sequence change replaces valine, which is neutral and non-polar, with phenylalanine, which is neutral and non-polar, at codon 732 of the KIT protein (p.Val732Phe). This variant has not been reported in the literature in individuals affected with KIT-related conditions. ClinVar contains an entry for this variant (Variation ID: 935277). An algorithm developed to predict the effect of missense changes on protein structure and function (PolyPhen-2) suggests that this variant is likely to be disruptive. In summary, the available evidence is currently insufficient to determine the role of this variant in disease. Therefore, it has been classified as a Variant of Uncertain Significance.

NM_000222.3(KIT):c.2194G>T (p.Val732Phe)

Gene: KIT (KIT proto-oncogene, receptor tyrosine kinase; plus strand). Cytogenetic location: 4q12.
Variant type: single nucleotide variant.
Coding change: c.2194G>T on transcript NM_000222.3 (MANE Select); coding-DNA position 2194, G replaced by T.
Protein change: p.Val732Phe; replaces valine 732 with phenylalanine.
Molecular consequence: missense variant.
Genome position (GRCh38, 1-based): chr4:54,731,380, G>T. VCF-style: chr4-54731380-G-T. GRCh37 (hg19) VCF-style: chr4-55597546-G-T.
Other names: c.2182G>T, p.Val728Phe (NM_001093772.2, NM_001385292.1); c.2197G>T, p.Val733Phe (NM_001385284.1); c.2191G>T, p.Val731Phe (NM_001385285.1); c.2179G>T, p.Val727Phe (NM_001385286.1); c.2185G>T, p.Val729Phe (NM_001385288.1); c.2194G>T, p.Val732Phe (NM_001385290.1); short protein forms V732F, V728F, V727F, V729F, V731F, V733F.
Identifiers: ClinVar variation 935277 (VCV000935277.11), dbSNP rs1722586672, ClinGen allele CA356910305.